The following is an entry in ClinVar:

ClinVar aggregate classification (germline): Uncertain significance (1 of 4 stars; one submission).

Conditions:
Cohen syndrome (COH1). Also called: PEPPER SYNDROME; Cutis verticis gyrata, retinitis pigmentosa, and sensorineural deafness. Identifiers: Orphanet 193, MedGen C0265223, MONDO:0008999, OMIM 216550.

Allele frequency attached by ClinVar (database versions not stated): gnomAD exomes 0.00001; ExAC 0.00002.
gnomAD v4.1: 9 of 1,614,026 alleles (0.00056%); highest among the groups gnomAD compares: South Asian, 0.0077%; no homozygotes.

Submission:

Labcorp Genetics (formerly Invitae), Labcorp
Classification: Uncertain significance for Cohen syndrome. Last evaluated: 2025-04-28. Review status: criteria provided, single submitter. Criteria: Invitae Variant Classification Sherloc (09022015). Collection method: clinical testing. Allele origin: germline.
Comment: This sequence change replaces leucine, which is neutral and non-polar, with serine, which is neutral and polar, at codon 960 of the VPS13B protein (p.Leu960Ser). This variant is present in population databases (rs775378782, gnomAD 0.006%). This variant has not been reported in the literature in individuals affected with VPS13B-related conditions. ClinVar contains an entry for this variant (Variation ID: 1494316). Invitae Evidence Modeling of protein sequence and biophysical properties (such as structural, functional, and spatial information, amino acid conservation, physicochemical variation, residue mobility, and thermodynamic stability) has been performed for this missense variant. However, the output from this modeling did not meet the statistical confidence thresholds required to predict the impact of this variant on VPS13B protein function. In summary, the available evidence is currently insufficient to determine the role of this variant in disease. Therefore, it has been classified as a Variant of Uncertain Significance.

NM_152564.5(VPS13B):c.2879T>C (p.Leu960Ser)

Gene: VPS13B (vacuolar protein sorting 13 homolog B; plus strand). Cytogenetic location: 8q22.2.
Variant type: single nucleotide variant.
Coding change: c.2879T>C on transcript NM_152564.5 (MANE Select); coding-DNA position 2879, T replaced by C.
Protein change: p.Leu960Ser; replaces leucine 960 with serine.
Molecular consequence: missense variant.
Genome position (GRCh38, 1-based): chr8:99,384,262, T>C. VCF-style: chr8-99384262-T-C. GRCh37 (hg19) VCF-style: chr8-100396490-T-C.
Other names: c.2879T>C, p.Leu960Ser (NM_017890.5); short protein forms L960S.
Identifiers: ClinVar variation 1494316 (VCV001494316.6), dbSNP rs775378782, ClinGen allele CA4823075.